The following is an entry in ClinVar:

NM_181458.4(PAX3):c.452-2A>C

Gene: PAX3 (paired box 3; minus strand). Cytogenetic location: 2q36.1.
Variant type: single nucleotide variant.
Coding change: c.452-2A>C on transcript NM_181458.4 (MANE Select); the canonical splice acceptor site of the intron before coding-DNA position 452, A replaced by C.
Molecular consequence: splice acceptor variant.
Genome position (GRCh38, 1-based): chr2:222,294,303, T>G on the plus strand (A>C on the coding strand, the complement: PAX3 is on the minus strand). VCF-style: chr2-222294303-T-G. GRCh37 (hg19) VCF-style: chr2-223159022-T-G.
Other names: c.449-2A>C (NM_001127366.3); c.452-2A>C (NM_181460.4, NM_181461.4, NM_181459.4 and 3 more transcripts).
Identifiers: ClinVar variation 3573030 (VCV003573030.1).

ClinVar aggregate classification (germline): Likely pathogenic (1 of 4 stars; one submission).

Conditions:
Waardenburg syndrome type 1 (WS1). Also called: WAARDENBURG SYNDROME WITH DYSTOPIA CANTHORUM; Waardenburg Syndrome Type I. Identifiers: Orphanet 894, MedGen C1847800, MONDO:0008670, OMIM 193500.

Submission:

Department of Human Genetics, Hannover Medical School
Classification: Likely pathogenic for Waardenburg syndrome type 1. Last evaluated: 2025-01-20. Review status: criteria provided, single submitter. Criteria: ACMG Guidelines, 2015. Collection method: clinical testing. Allele origin: germline. Inheritance: Autosomal dominant inheritance. Affected: yes.
Comment: ACMG: PVS1_Strong, PM2_Supporting, PP1_Moderate, PP4